The following is an entry in ClinVar:

ClinVar aggregate classification (germline): Benign. Review status: criteria provided, multiple submitters, no conflicts (2 of 4 stars). 9 submissions from 9 submitters: Benign (7). 2 of the submissions do not count toward it. Last evaluated 2026-02-03.

Conditions:
Brain small vessel disease 2A, autosomal dominant. Also called: Porencephaly 2. Identifiers: Orphanet 2940, Orphanet 99810, MedGen C3280970, MONDO:0013773, OMIM 614483.

Allele frequency attached by ClinVar (database versions not stated): 1000 Genomes Project 0.75200; 1000 Genomes Project 30x 0.75609; gnomAD exomes 0.82879 and 0.87469; ExAC 0.83291; TOPMed 0.83762; gnomAD 0.83868 and 0.84408; ESP Exome Variant Server 0.87092.
gnomAD v4.1: 1,403,950 of 1,612,360 alleles (87%); highest among the groups gnomAD compares: Middle Eastern, 92%; 615,302 homozygotes.

Submissions (9):

Labcorp Genetics (formerly Invitae), Labcorp
Classification: Benign. Last evaluated: 2026-02-03. Review status: criteria provided, single submitter. Criteria: Invitae Variant Classification Sherloc (09022015). Collection method: clinical testing. Allele origin: germline.

Blueprint Genetics
Classification: Benign. Last evaluated: 2024-11-27. Review status: criteria provided, single submitter. Criteria: ACMG Guidelines, 2015. Collection method: clinical testing. Allele origin: germline.

Mayo Clinic Laboratories, Mayo Clinic
Classification: Benign. Last evaluated: 2022-04-26. Review status: criteria provided, single submitter. Criteria: ACMG Guidelines, 2015. Collection method: clinical testing. Allele origin: germline. Observed: 294 variant alleles.

Genome-Nilou Lab
Classification: Benign for Brain small vessel disease 2A, autosomal dominant. Last evaluated: 2021-07-22. Review status: criteria provided, single submitter. Criteria: ACMG Guidelines, 2015. Collection method: clinical testing. Allele origin: germline. Affected: no.

GeneDx
Classification: Benign. Last evaluated: 2018-03-24. Review status: criteria provided, single submitter. Criteria: GeneDx Variant Classification (06012015). Collection method: clinical testing. Allele origin: germline. Affected: yes.
Comment: This variant is considered likely benign or benign based on one or more of the following criteria: it is a conservative change, it occurs at a poorly conserved position in the protein, it is predicted to be benign by multiple in silico algorithms, and/or has population frequency not consistent with disease.

Illumina Laboratory Services, Illumina
Classification: Benign for Brain small vessel disease 2A, autosomal dominant. Last evaluated: 2018-01-13. Review status: criteria provided, single submitter. Criteria: ICSL Variant Classification Criteria 13 December 2019. Collection method: clinical testing. Allele origin: germline.
Comment: This variant was observed in the ICSL laboratory as part of a predisposition screen in an ostensibly healthy population. It had not been previously curated by ICSL or reported in the Human Gene Mutation Database (HGMD: prior to June 1st, 2018), and was therefore a candidate for classification through an automated scoring system. Utilizing variant allele frequency, disease prevalence and penetrance estimates, and inheritance mode, an automated score was calculated to assess if this variant is too frequent to cause the disease. Based on the score and internal cut-off values, a variant classified as benign is not then subjected to further curation. The score for this variant resulted in a classification of benign for this disease.

Breakthrough Genomics
Classification: Benign. Review status: criteria provided, single submitter. Criteria: ACMG Guidelines, 2015. Collection method: not provided. Allele origin: germline. Inheritance: Autosomal dominant inheritance. Affected: yes.

Clinical Genetics DNA and cytogenetics Diagnostics Lab, Erasmus MC, Erasmus Medical Center
Classification: Benign. Review status: no assertion criteria provided. Collection method: clinical testing. Allele origin: germline. Affected: yes. Study: VKGL Data-share Consensus. Not counted in ClinVar's aggregate classification.

Diagnostic Laboratory, Department of Genetics, University Medical Center Groningen
Classification: Benign. Review status: no assertion criteria provided. Collection method: clinical testing. Allele origin: germline. Affected: yes. Study: VKGL Data-share Consensus. Not counted in ClinVar's aggregate classification.

NM_001846.4(COL4A2):c.4515A>G (p.Pro1505=)

Genes: COL4A2 (collagen type IV alpha 2 chain; plus strand), COL4A2-AS1 (COL4A2 antisense RNA 1; minus strand). Cytogenetic location: 13q34.
Variant type: single nucleotide variant.
Coding change: c.4515A>G on transcript NM_001846.4 (MANE Select); coding-DNA position 4515, A replaced by G.
Protein change: p.Pro1505=; no amino-acid change (proline 1505 retained).
Molecular consequence: synonymous variant.
Genome position (GRCh38, 1-based): chr13:110,506,527, A>G. VCF-style: chr13-110506527-A-G. GRCh37 (hg19) VCF-style: chr13-111158874-A-G.
Other names: p.Pro1505=.
Identifiers: ClinVar variation 311180 (VCV000311180.22), dbSNP rs445348, ClinGen allele CA7050568.